The following is an entry in ClinVar:

ClinVar aggregate classification (germline): Uncertain significance (1 of 4 stars; one submission).

Conditions:
Sulfite oxidase deficiency due to molybdenum cofactor deficiency type C. Also called: Molybdenum cofactor deficiency, complementation group C; Molybdenum cofactor deficiency C. Identifiers: Orphanet 308400, Orphanet 833, MedGen C1854990, MONDO:0014212, OMIM 615501.

Submission:

Labcorp Genetics (formerly Invitae), Labcorp
Classification: Uncertain significance for Sulfite oxidase deficiency due to molybdenum cofactor deficiency type C. Last evaluated: 2023-01-17. Review status: criteria provided, single submitter. Criteria: Invitae Variant Classification Sherloc (09022015). Collection method: clinical testing. Allele origin: germline.
Comment: In summary, the available evidence is currently insufficient to determine the role of this variant in disease. Therefore, it has been classified as a Variant of Uncertain Significance. Algorithms developed to predict the effect of sequence changes on RNA splicing suggest that this variant may disrupt the consensus splice site. This variant has not been reported in the literature in individuals affected with GPHN-related conditions. This variant is not present in population databases (gnomAD no frequency). This sequence change affects codon 244 of the GPHN mRNA. It is a 'silent' change, meaning that it does not change the encoded amino acid sequence of the GPHN protein.

NM_020806.5(GPHN):c.732G>A (p.Lys244=)

Gene: GPHN (gephyrin; plus strand). Cytogenetic location: 14q23.3.
Variant type: single nucleotide variant.
Coding change: c.732G>A on transcript NM_020806.5 (MANE Select); coding-DNA position 732, G replaced by A.
Protein change: p.Lys244=; no amino-acid change (lysine 244 retained).
Molecular consequence: synonymous variant. On other transcripts: intron variant (7).
Genome position (GRCh38, 1-based): chr14:66,924,196, G>A. VCF-style: chr14-66924196-G-A. GRCh37 (hg19) VCF-style: chr14-67390913-G-A.
Other names: c.768+1258G>A (NM_001377514.1, NM_001377519.1); c.729+1258G>A (NM_001377515.1, NM_001377516.1, NM_001377518.1 and 2 more transcripts).
Identifiers: ClinVar variation 2874803 (VCV002874803.3), dbSNP rs2549619576, ClinGen allele CA486940939.